The following is an entry in ClinVar:

ClinVar aggregate classification (germline): Uncertain significance (1 of 4 stars; one submission).

Submission:

GeneDx
Classification: Uncertain significance. Last evaluated: 2023-12-26. Review status: criteria provided, single submitter. Criteria: GeneDx Variant Classification Process June 2021. Collection method: clinical testing. Allele origin: germline. Affected: yes.
Comment: Not observed at significant frequency in large population cohorts (gnomAD); In silico analysis supports that this missense variant has a deleterious effect on protein structure/function; In silico analysis suggests this variant may impact gene splicing. In the absence of RNA/functional studies, the actual effect of this sequence change is unknown.; Has not been previously published as pathogenic or benign to our knowledge

NM_013322.3(SNX10):c.406G>T (p.Gly136Trp)

Gene: SNX10 (sorting nexin 10; plus strand). Cytogenetic location: 7p15.2.
Variant type: single nucleotide variant.
Coding change: c.406G>T on transcript NM_013322.3 (MANE Select); coding-DNA position 406, G replaced by T.
Protein change: p.Gly136Trp; replaces glycine 136 with tryptophan.
Molecular consequence: missense variant.
Genome position (GRCh38, 1-based): chr7:26,371,915, G>T. VCF-style: chr7-26371915-G-T. GRCh37 (hg19) VCF-style: chr7-26411535-G-T.
Other names: c.406G>T, p.Gly136Trp (NM_001199835.1, NM_001318199.3); c.397G>T, p.Gly133Trp (NM_001199837.3); c.154G>T, p.Gly52Trp (NM_001199838.2); c.484G>T, p.Gly162Trp (NM_001318198.1, NM_001362753.1, NM_001362754.1); short protein forms G133W, G136W, G162W, G52W.
Identifiers: ClinVar variation 3369965 (VCV003369965.1).